The following is an entry in ClinVar:

ClinVar aggregate classification (germline): Likely pathogenic (1 of 4 stars; one submission).

Submission:

Labcorp Genetics (formerly Invitae), Labcorp
Classification: Likely pathogenic. Last evaluated: 2023-07-19. Review status: criteria provided, single submitter. Criteria: Invitae Variant Classification Sherloc (09022015). Collection method: clinical testing. Allele origin: germline.
Comment: This sequence change affects a donor splice site in intron 11 of the ACAD9 gene. It is expected to disrupt RNA splicing. Variants that disrupt the donor or acceptor splice site typically lead to a loss of protein function (PMID: 16199547), and loss-of-function variants in ACAD9 are known to be pathogenic (PMID: 25721401). This variant is not present in population databases (gnomAD no frequency). This variant has not been reported in the literature in individuals affected with ACAD9-related conditions. Algorithms developed to predict the effect of sequence changes on RNA splicing suggest that this variant may disrupt the consensus splice site. In summary, the currently available evidence indicates that the variant is pathogenic, but additional data are needed to prove that conclusively. Therefore, this variant has been classified as Likely Pathogenic.

Literature cited by the submitters: PubMed 16199547; PubMed 25721401.

NM_014049.5(ACAD9):c.1149+1G>A

Gene: ACAD9 (acyl-CoA dehydrogenase family member 9; plus strand). Cytogenetic location: 3q21.3.
Variant type: single nucleotide variant.
Coding change: c.1149+1G>A on transcript NM_014049.5 (MANE Select); the canonical splice donor site of the intron after coding-DNA position 1149, G replaced by A.
Molecular consequence: splice donor variant.
Genome position (GRCh38, 1-based): chr3:128,904,506, G>A. VCF-style: chr3-128904506-G-A. GRCh37 (hg19) VCF-style: chr3-128623349-G-A.
Other names: c.780+1G>A (NM_001410805.1).
Identifiers: ClinVar variation 2744930 (VCV002744930.3), dbSNP rs2529270204, ClinGen allele CA354436504.